The following is an entry in ClinVar:

NM_006493.4(CLN5):c.19A>G (p.Thr7Ala)

Gene: CLN5 (CLN5 lysosomal BMP synthase; plus strand). Cytogenetic location: 13q22.3.
Variant type: single nucleotide variant.
Coding change: c.19A>G on transcript NM_006493.4 (MANE Select); coding-DNA position 19, A replaced by G.
Protein change: p.Thr7Ala; replaces threonine 7 with alanine.
Molecular consequence: missense variant.
Genome position (GRCh38, 1-based): chr13:76,992,117, A>G. VCF-style: chr13-76992117-A-G. GRCh37 (hg19) VCF-style: chr13-77566252-A-G.
Other names: c.166A>G (LRG_692t1); c.19A>G, p.Thr7Ala (NM_001366624.2); short protein forms T7A.
Identifiers: ClinVar variation 409273 (VCV000409273.8), dbSNP rs541501705, ClinGen allele CA7007103.

ClinVar aggregate classification (germline): Uncertain significance. Review status: criteria provided, multiple submitters, no conflicts (2 of 4 stars). 2 submissions from 2 submitters: Uncertain significance (2). Last evaluated 2024-08-05.

Conditions:
Inborn genetic diseases. Identifiers: MedGen C0950123, MeSH D030342.
Neuronal ceroid lipofuscinosis. Also called: Neuronal Ceroid Lipofuscinoses. Identifiers: Orphanet 216, Orphanet 79263, MedGen C0027877, MONDO:0016295. Disease mechanism: loss of function.

Allele frequency attached by ClinVar (database versions not stated): ExAC 0.00003; gnomAD exomes 0.00004; gnomAD 0.00014 and 0.00015; TOPMed 0.00014; 1000 Genomes Project 30x 0.00016; 1000 Genomes Project 0.00020.
gnomAD v4.1: 43 of 1,611,460 alleles (0.0027%); highest among the groups gnomAD compares: African/African-American, 0.049%; no homozygotes.

Submissions (2):

Ambry Genetics
Classification: Uncertain significance for Inborn genetic diseases. Last evaluated: 2024-08-05. Review status: criteria provided, single submitter. Criteria: Ambry Variant Classification Scheme 2023. Collection method: clinical testing. Allele origin: germline.

Labcorp Genetics (formerly Invitae), Labcorp
Classification: Uncertain significance for Neuronal ceroid lipofuscinosis. Last evaluated: 2022-08-31. Review status: criteria provided, single submitter. Criteria: Invitae Variant Classification Sherloc (09022015). Collection method: clinical testing. Allele origin: germline.
Comment: This sequence change replaces threonine, which is neutral and polar, with alanine, which is neutral and non-polar, at codon 56 of the CLN5 protein (p.Thr56Ala). This variant is present in population databases (rs541501705, gnomAD 0.04%). This variant has not been reported in the literature in individuals affected with CLN5-related conditions. ClinVar contains an entry for this variant (Variation ID: 409273). Algorithms developed to predict the effect of missense changes on protein structure and function are either unavailable or do not agree on the potential impact of this missense change (SIFT: "Deleterious"; PolyPhen-2: "Benign"; Align-GVGD: "Class C0"). In summary, the available evidence is currently insufficient to determine the role of this variant in disease. Therefore, it has been classified as a Variant of Uncertain Significance.